The following is an entry in ClinVar:

NM_000256.3(MYBPC3):c.855T>G (p.Asp285Glu)

Gene: MYBPC3 (myosin binding protein C3; minus strand). Cytogenetic location: 11p11.2.
Variant type: single nucleotide variant.
Coding change: c.855T>G on transcript NM_000256.3 (MANE Select); coding-DNA position 855, T replaced by G.
Protein change: p.Asp285Glu; replaces aspartic acid 285 with glutamic acid.
Molecular consequence: missense variant.
Genome position (GRCh38, 1-based): chr11:47,347,476, A>C on the plus strand (T>G on the coding strand, the complement: MYBPC3 is on the minus strand). VCF-style: chr11-47347476-A-C. GRCh37 (hg19) VCF-style: chr11-47369027-A-C.
Other names: short protein forms D285E.
Identifiers: ClinVar variation 4753345 (VCV004753345.1).

ClinVar aggregate classification (germline): Uncertain significance (1 of 4 stars; one submission).

Conditions:
Hypertrophic cardiomyopathy. Also called: HYPERTROPHIC MYOCARDIOPATHY. Identifiers: Orphanet 217569, MedGen C0007194, MeSH D002312, MONDO:0005045, HP:0001639.

gnomAD v4.1: 1 of 1,596,400 alleles (0.000063%); highest among the groups gnomAD compares: African/African-American, 0.0013%; no homozygotes.

Submission:

Labcorp Genetics (formerly Invitae), Labcorp
Classification: Uncertain significance for Hypertrophic cardiomyopathy. Last evaluated: 2025-12-21. Review status: criteria provided, single submitter. Criteria: Invitae Variant Classification Sherloc (09022015). Collection method: clinical testing. Allele origin: germline.
Comment: This sequence change replaces aspartic acid, which is acidic and polar, with glutamic acid, which is acidic and polar, at codon 285 of the MYBPC3 protein (p.Asp285Glu). This variant is not present in population databases (gnomAD no frequency). This variant has not been reported in the literature in individuals affected with MYBPC3-related conditions. An algorithm developed to predict the effect of missense changes on protein structure and function (PolyPhen-2) suggests that this variant is likely to be tolerated. In summary, the available evidence is currently insufficient to determine the role of this variant in disease. Therefore, it has been classified as a Variant of Uncertain Significance.